The following is an entry in ClinVar:

ClinVar aggregate classification (germline): Uncertain significance. Review status: criteria provided, multiple submitters, no conflicts (2 of 4 stars). 6 submissions from 6 submitters: Uncertain significance (6). Last evaluated 2025-11-05.

Conditions:
Polyposis syndrome, hereditary mixed, 2. Identifiers: Orphanet 157794, MedGen C1864730, MONDO:0012405, OMIM 610069.
Juvenile polyposis syndrome (JPS). Identifiers: Orphanet 2929, MedGen C0345893, MONDO:0017380, OMIM 174900.
Hereditary cancer-predisposing syndrome. Also called: Hereditary neoplastic syndrome; Neoplastic Syndromes, Hereditary; Tumor predisposition; Hereditary Cancer Syndrome. Identifiers: Orphanet 140162, MedGen C0027672, MeSH D009386, MONDO:0015356.

Allele frequency attached by ClinVar (database versions not stated): gnomAD exomes below 0.00001.

Submissions (6):

Labcorp Genetics (formerly Invitae), Labcorp
Classification: Uncertain significance for Juvenile polyposis syndrome. Last evaluated: 2025-11-05. Review status: criteria provided, single submitter. Criteria: Invitae Variant Classification Sherloc (09022015). Collection method: clinical testing. Allele origin: germline.
Comment: This sequence change replaces cysteine, which is neutral and slightly polar, with arginine, which is basic and polar, at codon 323 of the BMPR1A protein (p.Cys323Arg). This variant is not present in population databases (gnomAD no frequency). This variant has not been reported in the literature in individuals affected with BMPR1A-related conditions. ClinVar contains an entry for this variant (Variation ID: 411628). Invitae Evidence Modeling incorporating data from in vitro experimental studies (internal data) indicates that this missense variant is expected to disrupt BMPR1A function with a positive predictive value of 95%. In summary, the available evidence is currently insufficient to determine the role of this variant in disease. Therefore, it has been classified as a Variant of Uncertain Significance.

Ambry Genetics
Classification: Uncertain significance for Hereditary cancer-predisposing syndrome. Last evaluated: 2025-10-29. Review status: criteria provided, single submitter. Criteria: Ambry Variant Classification Scheme 2023. Collection method: clinical testing. Allele origin: germline.
Comment: The p.C323R variant (also known as c.967T>C), located in coding exon 8 of the BMPR1A gene, results from a T to C substitution at nucleotide position 967. The cysteine at codon 323 is replaced by arginine, an amino acid with highly dissimilar properties. This variant has been detected in multiple individuals with no reported features of BMPR1A-related juvenile polyposis syndrome (Ambry internal data). This amino acid position is not well conserved in available vertebrate species. In addition, the in silico prediction for this alteration is inconclusive. Based on the available evidence, the clinical significance of this variant remains unclear.

Color Diagnostics, LLC DBA Color Health
Classification: Uncertain significance for Hereditary cancer-predisposing syndrome. Last evaluated: 2024-03-06. Review status: criteria provided, single submitter. Criteria: ACMG Guidelines, 2015. Collection method: clinical testing. Allele origin: germline.
Comment: This missense variant replaces cysteine with arginine at codon 323 of the BMPR1A protein. Computational prediction suggests that this variant may not impact protein structure and function (internally defined REVEL score threshold <= 0.5, PMID: 27666373). To our knowledge, functional studies have not been reported for this variant. This variant has not been reported in individuals affected with hereditary cancer in the literature. This variant has not been identified in the general population by the Genome Aggregation Database (gnomAD). The available evidence is insufficient to determine the role of this variant in disease conclusively. Therefore, this variant is classified as a Variant of Uncertain Significance.

Baylor Genetics
Classification: Uncertain significance for Polyposis syndrome, hereditary mixed, 2. Last evaluated: 2023-10-09. Review status: criteria provided, single submitter. Criteria: ACMG Guidelines, 2015. Collection method: clinical testing. Allele origin: unknown.

All of Us Research Program, National Institutes of Health
Classification: Uncertain significance for Juvenile polyposis syndrome. Last evaluated: 2023-05-31. Review status: criteria provided, single submitter. Criteria: ACMG Guidelines, 2015. Collection method: clinical testing. Allele origin: germline. Inheritance: Autosomal dominant inheritance. Observed: 2 variant alleles, 2 heterozygotes.
Comment: This missense variant replaces cysteine with arginine at codon 323 of the BMPR1A protein. Computational prediction suggests that this variant may not impact protein structure and function (internally defined REVEL score threshold <= 0.5, PMID: 27666373). To our knowledge, functional studies have not been reported for this variant. This variant has not been reported in individuals affected with hereditary cancer in the literature. This variant has not been identified in the general population by the Genome Aggregation Database (gnomAD). The available evidence is insufficient to determine the role of this variant in disease conclusively. Therefore, this variant is classified as a Variant of Uncertain Significance.

This study involves interpretation of variants in research participants for the purpose of population health screening. Participant phenotype was not available at the time of variant classification. Additional details can be found in publication PMID: 35346344, PMCID: PMC8962531

GeneDx
Classification: Uncertain significance. Last evaluated: 2022-12-12. Review status: criteria provided, single submitter. Criteria: GeneDx Variant Classification Process June 2021. Collection method: clinical testing. Allele origin: germline. Affected: yes.
Comment: Not observed at significant frequency in large population cohorts (gnomAD); In silico analysis supports that this missense variant does not alter protein structure/function; Has not been previously published as pathogenic or benign to our knowledge

NM_004329.3(BMPR1A):c.967T>C (p.Cys323Arg)

Gene: BMPR1A (bone morphogenetic protein receptor type 1A; plus strand). Cytogenetic location: 10q23.2.
Variant type: single nucleotide variant.
Coding change: c.967T>C on transcript NM_004329.3 (MANE Select); coding-DNA position 967, T replaced by C.
Protein change: p.Cys323Arg; replaces cysteine 323 with arginine.
Molecular consequence: missense variant.
Genome position (GRCh38, 1-based): chr10:86,919,270, T>C. VCF-style: chr10-86919270-T-C. GRCh37 (hg19) VCF-style: chr10-88679027-T-C.
Other names: short protein forms C323R.
Identifiers: ClinVar variation 411628 (VCV000411628.26), dbSNP rs876660750, ClinGen allele CA16612985.
Genomic context (GRCh38, chr10:86,919,270, plus strand): 5'-ACTCAGCTCTATTTGATTACTGATTACCATGAAAATGGATCTCTCTATGACTTCCTGAAA[T>C]GTGCTACACTGGACACCAGAGCCCTGCTTAAATTGGCTTATTCAGCTGCCTGTGGTCTGT-3'
Protein context (NP_004320.2, residues 313-333): ENGSLYDFLK[Cys323Arg]ATLDTRALLK